The following is an entry in ClinVar:

ClinVar aggregate classification (germline): Uncertain significance (1 of 4 stars; one submission).

Allele frequency attached by ClinVar (database versions not stated): gnomAD exomes below 0.00001; ExAC 0.00001.
gnomAD v4.1: 2 of 1,613,732 alleles (0.00012%); highest among the groups gnomAD compares: Non-Finnish European, 0.00017%; no homozygotes.

Submission:

Labcorp Genetics (formerly Invitae), Labcorp
Classification: Uncertain significance. Last evaluated: 2022-08-15. Review status: criteria provided, single submitter. Criteria: Invitae Variant Classification Sherloc (09022015). Collection method: clinical testing. Allele origin: germline.
Comment: In summary, the available evidence is currently insufficient to determine the role of this variant in disease. Therefore, it has been classified as a Variant of Uncertain Significance. Algorithms developed to predict the effect of sequence changes on RNA splicing suggest that this variant may create or strengthen a splice site. Algorithms developed to predict the effect of missense changes on protein structure and function (SIFT, PolyPhen-2, Align-GVGD) all suggest that this variant is likely to be disruptive. This variant has not been reported in the literature in individuals affected with HERC1-related conditions. This variant is present in population databases (rs769599086, gnomAD 0.0009%). This sequence change replaces lysine, which is basic and polar, with asparagine, which is neutral and polar, at codon 4485 of the HERC1 protein (p.Lys4485Asn).

NM_003922.4(HERC1):c.13455G>T (p.Lys4485Asn)

Gene: HERC1 (HECT and RLD domain containing E3 ubiquitin protein ligase family member 1; minus strand). Cytogenetic location: 15q22.31.
Variant type: single nucleotide variant.
Coding change: c.13455G>T on transcript NM_003922.4 (MANE Select); coding-DNA position 13455, G replaced by T.
Protein change: p.Lys4485Asn; replaces lysine 4485 with asparagine.
Molecular consequence: missense variant.
Genome position (GRCh38, 1-based): chr15:63,623,881, C>A on the plus strand (G>T on the coding strand, the complement: HERC1 is on the minus strand). VCF-style: chr15-63623881-C-A. GRCh37 (hg19) VCF-style: chr15-63916080-C-A.
Other names: short protein forms K4485N.
Identifiers: ClinVar variation 1977698 (VCV001977698.5), dbSNP rs769599086, ClinGen allele CA7603723.